The following is an entry in ClinVar:

ClinVar aggregate classification (germline): Uncertain significance (1 of 4 stars; one submission).

Conditions:
Hereditary cancer-predisposing syndrome. Also called: Tumor predisposition; Neoplastic Syndromes, Hereditary; Hereditary neoplastic syndrome; Hereditary Cancer Syndrome. Identifiers: Orphanet 140162, MedGen C0027672, MeSH D009386, MONDO:0015356.

Submission:

Color Diagnostics, LLC DBA Color Health
Classification: Uncertain significance for Hereditary cancer-predisposing syndrome. Last evaluated: 2024-03-06. Review status: criteria provided, single submitter. Criteria: ACMG Guidelines, 2015. Collection method: clinical testing. Allele origin: germline.
Comment: This missense variant replaces proline with threonine at codon 2773 of the APC protein. Computational prediction is inconclusive regarding the impact of this variant on protein structure and function (internally defined REVEL score threshold 0.5 < inconclusive < 0.7, PMID: 27666373). To our knowledge, functional studies have not been reported for this variant. This variant has not been reported in individuals affected with APC-related disorders in the literature. This variant has not been identified in the general population by the Genome Aggregation Database (gnomAD). The available evidence is insufficient to determine the role of this variant in disease conclusively. Therefore, this variant is classified as a Variant of Uncertain Significance.

NM_000038.6(APC):c.8317C>A (p.Pro2773Thr)

Gene: APC (APC regulator of Wnt signaling pathway; plus strand). Cytogenetic location: 5q22.2.
Variant type: single nucleotide variant.
Coding change: c.8317C>A on transcript NM_000038.6 (MANE Select); coding-DNA position 8317, C replaced by A.
Protein change: p.Pro2773Thr; replaces proline 2773 with threonine.
Molecular consequence: missense variant.
Genome position (GRCh38, 1-based): chr5:112,843,911, C>A. VCF-style: chr5-112843911-C-A. GRCh37 (hg19) VCF-style: chr5-112179608-C-A.
Other names: c.8317C>A, p.Pro2773Thr (NM_001127510.3, NM_001354895.2); c.8263C>A, p.Pro2755Thr (NM_001127511.3); c.8371C>A, p.Pro2791Thr (NM_001354896.2); c.8347C>A, p.Pro2783Thr (NM_001354897.2); c.8242C>A, p.Pro2748Thr (NM_001354898.2); c.8233C>A, p.Pro2745Thr (NM_001354899.2); c.8194C>A, p.Pro2732Thr (NM_001354900.2); c.8140C>A, p.Pro2714Thr (NM_001354901.2); and 5 more; short protein forms P2773T, P2755T, P2613T, P2647T, P2783T, P2672T, P2732T, P2748T.
Identifiers: ClinVar variation 630626 (VCV000630626.5), dbSNP rs746954122, ClinGen allele CA16039380.